The following is an entry in ClinVar:

NM_001256789.3(CACNA1F):c.955G>A (p.Ala319Thr)

Gene: CACNA1F (calcium voltage-gated channel subunit alpha1 F; minus strand). Cytogenetic location: Xp11.23.
Variant type: single nucleotide variant.
Coding change: c.955G>A on transcript NM_001256789.3 (MANE Select); coding-DNA position 955, G replaced by A.
Protein change: p.Ala319Thr; replaces alanine 319 with threonine.
Molecular consequence: missense variant.
Genome position (GRCh38, 1-based): chrX:49,228,310, C>T on the plus strand (G>A on the coding strand, the complement: CACNA1F is on the minus strand). VCF-style: chrX-49228310-C-T. GRCh37 (hg19) VCF-style: chrX-49084772-C-T.
Other names: c.760G>A, p.Ala254Thr (NM_001256790.3); c.955G>A, p.Ala319Thr (NM_005183.4); short protein forms A319T, A254T.
Identifiers: ClinVar variation 948257 (VCV000948257.10), dbSNP rs146010954, ClinGen allele CA10410982.

ClinVar aggregate classification (germline): Uncertain significance (1 of 4 stars; one submission).

Allele frequency attached by ClinVar (database versions not stated): gnomAD 0.00002; TOPMed 0.00003; gnomAD exomes 0.00004; ExAC 0.00009; ESP Exome Variant Server 0.00009; 1000 Genomes Project 0.00026; 1000 Genomes Project 30x 0.00042.
gnomAD v4.1: 20 of 1,210,470 alleles (0.0017%); highest among the groups gnomAD compares: Non-Finnish European, 0.0019%; no homozygotes.

Submission:

Labcorp Genetics (formerly Invitae), Labcorp
Classification: Uncertain significance. Last evaluated: 2025-10-18. Review status: criteria provided, single submitter. Criteria: Invitae Variant Classification Sherloc (09022015). Collection method: clinical testing. Allele origin: germline.
Comment: This sequence change replaces alanine, which is neutral and non-polar, with threonine, which is neutral and polar, at codon 319 of the CACNA1F protein (p.Ala319Thr). This variant is present in population databases (rs146010954, gnomAD 0.009%). This variant has not been reported in the literature in individuals affected with CACNA1F-related conditions. ClinVar contains an entry for this variant (Variation ID: 948257). Invitae Evidence Modeling of protein sequence and biophysical properties (such as structural, functional, and spatial information, amino acid conservation, physicochemical variation, residue mobility, and thermodynamic stability) indicates that this missense variant is expected to disrupt CACNA1F protein function with a positive predictive value of 80%. In summary, the available evidence is currently insufficient to determine the role of this variant in disease. Therefore, it has been classified as a Variant of Uncertain Significance.